The following is an entry in ClinVar:

NM_002582.4(PARN):c.1319T>C (p.Leu440Ser)

Gene: PARN (poly(A)-specific ribonuclease; minus strand). Cytogenetic location: 16p13.12.
Variant type: single nucleotide variant.
Coding change: c.1319T>C on transcript NM_002582.4 (MANE Select); coding-DNA position 1319, T replaced by C.
Protein change: p.Leu440Ser; replaces leucine 440 with serine.
Molecular consequence: missense variant.
Genome position (GRCh38, 1-based): chr16:14,554,151, A>G on the plus strand (T>C on the coding strand, the complement: PARN is on the minus strand). VCF-style: chr16-14554151-A-G. GRCh37 (hg19) VCF-style: chr16-14648008-A-G.
Other names: c.1136T>C, p.Leu379Ser (NM_001134477.3); c.1181T>C, p.Leu394Ser (NM_001242992.2); short protein forms L379S, L440S, L394S.
Identifiers: ClinVar variation 1039695 (VCV001039695.9), dbSNP rs1967506241, ClinGen allele CA394812194.

ClinVar aggregate classification (germline): Uncertain significance (1 of 4 stars; one submission).

Conditions:
Dyskeratosis congenita, autosomal recessive 6 (DKCB6). Identifiers: MedGen C4225356, MONDO:0014600, OMIM 616353.
Pulmonary fibrosis and/or bone marrow failure, Telomere-related, 4. Also called: PULMONARY FIBROSIS AND/OR BONE MARROW FAILURE SYNDROME, TELOMERE-RELATED, 4. Identifiers: Orphanet 2032, MedGen C4225347, MONDO:0014612, OMIM 616371.

Submission:

Labcorp Genetics (formerly Invitae), Labcorp
Classification: Uncertain significance for Dyskeratosis congenita, autosomal recessive 6; Pulmonary fibrosis and/or bone marrow failure, Telomere-related, 4. Last evaluated: 2022-04-15. Review status: criteria provided, single submitter. Criteria: Invitae Variant Classification Sherloc (09022015). Collection method: clinical testing. Allele origin: germline.
Comment: Algorithms developed to predict the effect of missense changes on protein structure and function are either unavailable or do not agree on the potential impact of this missense change (SIFT: "Tolerated"; PolyPhen-2: "Possibly Damaging"; Align-GVGD: "Class C0"). ClinVar contains an entry for this variant (Variation ID: 1039695). This variant has not been reported in the literature in individuals affected with PARN-related conditions. This variant is not present in population databases (gnomAD no frequency). This sequence change replaces leucine, which is neutral and non-polar, with serine, which is neutral and polar, at codon 440 of the PARN protein (p.Leu440Ser). In summary, the available evidence is currently insufficient to determine the role of this variant in disease. Therefore, it has been classified as a Variant of Uncertain Significance.